The following is an entry in ClinVar:

ClinVar aggregate classification (germline): Pathogenic (1 of 4 stars; one submission).

Conditions:
Neurofibromatosis, type 1 (NF1). Also called: VON RECKLINGHAUSEN DISEASE; Peripheral type neurofibromatosis; NEUROFIBROMATOSIS, TYPE I, SOMATIC; Neurofibromatosis, type I. Identifiers: Orphanet 636, MedGen C0027831, MONDO:0018975, OMIM 162200. Disease mechanism: loss of function.

Submission:

Labcorp Genetics (formerly Invitae), Labcorp
Classification: Pathogenic for Neurofibromatosis, type 1. Last evaluated: 2020-02-27. Review status: criteria provided, single submitter. Criteria: Invitae Variant Classification Sherloc (09022015). Collection method: clinical testing. Allele origin: germline.
Comment: This sequence change creates a premature translational stop signal (p.Ser382Leufs*13) in the NF1 gene. It is expected to result in an absent or disrupted protein product. This variant is not present in population databases (ExAC no frequency). This variant has not been reported in the literature in individuals with NF1-related conditions. Loss-of-function variants in NF1 are known to be pathogenic (PMID: 10712197, 23913538). For these reasons, this variant has been classified as Pathogenic.

Literature cited by the submitters: PubMed 10712197; PubMed 23913538.

NM_001042492.3(NF1):c.1143_1144del (p.Ser382fs)

Gene: NF1 (neurofibromin 1; plus strand). Cytogenetic location: 17q11.2.
Variant type: Deletion.
Coding change: c.1143_1144del on transcript NM_001042492.3 (MANE Select); coding-DNA positions 1143 to 1144, 2 bases deleted (TT; older notation c.1143_1144delTT).
Protein change: p.Ser382fs; shifts the reading frame from serine 382.
Molecular consequence: frameshift variant.
Genome position (GRCh38, 1-based): chr17:31,201,117-31,201,118, TT deleted; deleting any 2 consecutive bases within chr17:31,201,116-31,201,118 gives the same sequence; the c. name uses the placement nearest the transcript's 3' end. VCF-style (leftmost placement, unchanged base first): chr17-31201115-GTT-G. GRCh37 (hg19) VCF-style: chr17-29528133-GTT-G.
Other names: c.1143_1144delTT, p.Ser382Leufs (NM_000267.4); c.1143_1144del, p.Ser382fs (NM_001128147.3); short protein forms S382fs.
Identifiers: ClinVar variation 1072623 (VCV001072623.5), dbSNP rs1135402802, ClinGen allele CA2499224023.